The following is an entry in ClinVar:

ClinVar aggregate classification (germline): Uncertain significance (1 of 4 stars; one submission).

gnomAD v4.1: 3 of 1,611,696 alleles (0.00019%); highest among the groups gnomAD compares: African/African-American, 0.004%; no homozygotes.

Submission:

Labcorp Genetics (formerly Invitae), Labcorp
Classification: Uncertain significance. Last evaluated: 2025-07-29. Review status: criteria provided, single submitter. Criteria: Invitae Variant Classification Sherloc (09022015). Collection method: clinical testing. Allele origin: germline.
Comment: This sequence change replaces valine, which is neutral and non-polar, with leucine, which is neutral and non-polar, at codon 1372 of the HMCN1 protein (p.Val1372Leu). This variant is present in population databases (no rsID available, gnomAD 0.01%). This variant has not been reported in the literature in individuals affected with HMCN1-related conditions. An algorithm developed to predict the effect of missense changes on protein structure and function (PolyPhen-2) suggests that this variant is likely to be disruptive. In summary, the available evidence is currently insufficient to determine the role of this variant in disease. Therefore, it has been classified as a Variant of Uncertain Significance.

NM_031935.3(HMCN1):c.4114G>T (p.Val1372Leu)

Gene: HMCN1 (hemicentin 1; plus strand). Cytogenetic location: 1q31.1.
Variant type: single nucleotide variant.
Coding change: c.4114G>T on transcript NM_031935.3 (MANE Select); coding-DNA position 4114, G replaced by T.
Protein change: p.Val1372Leu; replaces valine 1372 with leucine.
Molecular consequence: missense variant.
Genome position (GRCh38, 1-based): chr1:186,001,342, G>T. VCF-style: chr1-186001342-G-T. GRCh37 (hg19) VCF-style: chr1-185970474-G-T.
Other names: short protein forms V1372L.
Identifiers: ClinVar variation 4747635 (VCV004747635.1).
Genomic context (GRCh38, chr1:186,001,342, plus strand): 5'-TCCTCTCTTTTTGCAGTTCCTCCAGTAATTAAAGATAAAGAACAAGTTACAAATGTGTCG[G>T]TGTTGTTAAATCAGCTGACCAATCTCTTCTGTGAAGTGGAAGGCACTCCATCTCCCATCA-3'
Protein context (NP_114141.2, residues 1362-1382): KDKEQVTNVS[Val1372Leu]LLNQLTNLFC